The following is an entry in ClinVar:

NM_001089.3(ABCA3):c.873+10C>T

Gene: ABCA3 (ATP binding cassette subfamily A member 3; minus strand). Cytogenetic location: 16p13.3.
Variant type: single nucleotide variant.
Coding change: c.873+10C>T on transcript NM_001089.3 (MANE Select); 10 bases into the intron after coding-DNA position 873, C replaced by T.
Molecular consequence: intron variant.
Genome position (GRCh38, 1-based): chr16:2,319,571, G>A on the plus strand (C>T on the coding strand, the complement: ABCA3 is on the minus strand). VCF-style: chr16-2319571-G-A. GRCh37 (hg19) VCF-style: chr16-2369572-G-A.
Identifiers: ClinVar variation 318564 (VCV000318564.13), dbSNP rs139685797, ClinGen allele CA7841493.

ClinVar aggregate classification (germline): Benign/Likely benign. Review status: criteria provided, multiple submitters, no conflicts (2 of 4 stars). 4 submissions from 4 submitters: Benign (2); Likely benign (2). Last evaluated 2026-01-20.

Conditions:
Hereditary pulmonary alveolar proteinosis. Also called: Pulmonary surfactant metabolism dysfunction. Identifiers: Orphanet 264675, MedGen C3711368, MONDO:0012580.
Interstitial lung disease due to ABCA3 deficiency. Also called: PULMONARY ALVEOLAR PROTEINOSIS, CONGENITAL, 3. Identifiers: Orphanet 440402, MedGen C1970456, MONDO:0012582, OMIM 610921.

Allele frequency attached by ClinVar (database versions not stated): gnomAD 0.00020 and 0.00028; TOPMed 0.00023; gnomAD exomes 0.00035 and 0.00049; ExAC 0.00053; 1000 Genomes Project 30x 0.00078; 1000 Genomes Project 0.00100.

Submissions (4):

Labcorp Genetics (formerly Invitae), Labcorp
Classification: Benign. Last evaluated: 2026-01-20. Review status: criteria provided, single submitter. Criteria: Invitae Variant Classification Sherloc (09022015). Collection method: clinical testing. Allele origin: germline.

Ambry Genetics
Classification: Benign for Hereditary pulmonary alveolar proteinosis. Last evaluated: 2025-10-06. Review status: criteria provided, single submitter. Criteria: Ambry Variant Classification Scheme 2023. Collection method: clinical testing. Allele origin: germline.

Blueprint Genetics
Classification: Likely benign. Last evaluated: 2024-11-06. Review status: criteria provided, single submitter. Criteria: ACMG Guidelines, 2015. Collection method: clinical testing. Allele origin: germline.

Illumina Laboratory Services, Illumina
Classification: Likely benign for Interstitial lung disease due to ABCA3 deficiency. Last evaluated: 2018-01-13. Review status: criteria provided, single submitter. Criteria: ICSL Variant Classification Criteria 13 December 2019. Collection method: clinical testing. Allele origin: germline.
Comment: This variant was observed in the ICSL laboratory as part of a predisposition screen in an ostensibly healthy population. It had not been previously curated by ICSL or reported in the Human Gene Mutation Database (HGMD: prior to June 1st, 2018), and was therefore a candidate for classification through an automated scoring system. Utilizing variant allele frequency, disease prevalence and penetrance estimates, and inheritance mode, an automated score was calculated to assess if this variant is too frequent to cause the disease. Based on the score and internal cut-off values, a variant classified as likely benign is not then subjected to further curation. The score for this variant resulted in a classification of likely benign for this disease.